The following is an entry in ClinVar:

NM_004183.4(BEST1):c.1252G>A (p.Glu418Lys)

Gene: BEST1 (bestrophin 1; plus strand). Cytogenetic location: 11q12.3.
Variant type: single nucleotide variant.
Coding change: c.1252G>A on transcript NM_004183.4 (MANE Select); coding-DNA position 1252, G replaced by A.
Protein change: p.Glu418Lys; replaces glutamic acid 418 with lysine.
Molecular consequence: missense variant. On other transcripts: non-coding transcript variant (1).
Genome position (GRCh38, 1-based): chr11:61,962,406, G>A. VCF-style: chr11-61962406-G-A. GRCh37 (hg19) VCF-style: chr11-61729878-G-A.
Other names: c.1072G>A, p.Glu358Lys (NM_001139443.3, NM_001300787.2); c.991G>A, p.Glu331Lys (NM_001300786.2); c.934G>A, p.Glu312Lys (NM_001363591.3); c.*147G>A (NM_001363592.2); c.280G>A, p.Glu94Lys (NM_001363593.3); short protein forms E331K, E94K, E418K, E358K, E312K.
Identifiers: ClinVar variation 2128023 (VCV002128023.4), dbSNP rs2541413560, ClinGen allele CA380847991.

ClinVar aggregate classification (germline): Uncertain significance (1 of 4 stars; one submission).

Submission:

Labcorp Genetics (formerly Invitae), Labcorp
Classification: Uncertain significance. Last evaluated: 2023-11-27. Review status: criteria provided, single submitter. Criteria: Invitae Variant Classification Sherloc (09022015). Collection method: clinical testing. Allele origin: germline.
Comment: This sequence change replaces glutamic acid, which is acidic and polar, with lysine, which is basic and polar, at codon 418 of the BEST1 protein (p.Glu418Lys). This variant is not present in population databases (gnomAD no frequency). This variant has not been reported in the literature in individuals affected with BEST1-related conditions. ClinVar contains an entry for this variant (Variation ID: 2128023). Algorithms developed to predict the effect of missense changes on protein structure and function output the following: SIFT: "Not Available"; PolyPhen-2: "Benign"; Align-GVGD: "Not Available". The lysine amino acid residue is found in multiple mammalian species, which suggests that this missense change does not adversely affect protein function. In summary, the available evidence is currently insufficient to determine the role of this variant in disease. Therefore, it has been classified as a Variant of Uncertain Significance.